The following is an entry in ClinVar:

ClinVar aggregate classification (germline): Conflicting classifications of pathogenicity. Review status: criteria provided, conflicting classifications (1 of 4 stars). 2 submissions from 2 submitters: Uncertain significance (1); Benign (1). Last evaluated 2024-05-04.

Conditions:
Tuberous sclerosis 2 (TSC2). Identifiers: Orphanet 805, MedGen C1860707, MONDO:0013199, OMIM 613254.
Hereditary cancer-predisposing syndrome. Also called: Tumor predisposition; Hereditary Cancer Syndrome; Hereditary neoplastic syndrome; Neoplastic Syndromes, Hereditary. Identifiers: Orphanet 140162, MedGen C0027672, MeSH D009386, MONDO:0015356.

Allele frequency attached by ClinVar (database versions not stated): gnomAD exomes below 0.00001.
gnomAD v4.1: 1 of 1,613,992 alleles (0.000062%); highest among the groups gnomAD compares: Non-Finnish European, 0.000085%; no homozygotes.

Submissions (2):

Labcorp Genetics (formerly Invitae), Labcorp
Classification: Benign for Tuberous sclerosis 2. Last evaluated: 2024-05-04. Review status: criteria provided, single submitter. Criteria: Invitae Variant Classification Sherloc (09022015). Collection method: clinical testing. Allele origin: germline.

Ambry Genetics
Classification: Uncertain significance for Hereditary cancer-predisposing syndrome. Last evaluated: 2024-04-07. Review status: criteria provided, single submitter. Criteria: Ambry Variant Classification Scheme 2023. Collection method: clinical testing. Allele origin: germline.
Comment: The p.E66K variant (also known as c.196G>A), located in coding exon 2 of the TSC2 gene, results from a G to A substitution at nucleotide position 196. The glutamic acid at codon 66 is replaced by lysine, an amino acid with similar properties. This amino acid position is conserved. In addition, the in silico prediction for this alteration is inconclusive. Based on the available evidence, the clinical significance of this variant remains unclear.

NM_000548.5(TSC2):c.196G>A (p.Glu66Lys)

Gene: TSC2 (TSC complex subunit 2; plus strand). Cytogenetic location: 16p13.3.
Variant type: single nucleotide variant.
Coding change: c.196G>A on transcript NM_000548.5 (MANE Select); coding-DNA position 196, G replaced by A.
Protein change: p.Glu66Lys; replaces glutamic acid 66 with lysine.
Molecular consequence: missense variant. On other transcripts: 5 prime UTR variant (1).
Genome position (GRCh38, 1-based): chr16:2,050,457, G>A. VCF-style: chr16-2050457-G-A. GRCh37 (hg19) VCF-style: chr16-2100458-G-A.
Other names: c.196G>A, p.Glu66Lys (NM_001077183.3, NM_001114382.3, NM_001318827.2 and 13 more transcripts); c.49G>A, p.Glu17Lys (NM_001318829.2, NM_001406675.1, NM_001406676.1 and 2 more transcripts); c.-31G>A (NM_001318831.2, NM_001406682.1, NM_001406684.1 and 3 more transcripts); c.229G>A, p.Glu77Lys (NM_001318832.2); c.-621G>A (NM_001406680.1, NM_001406683.1, NM_001406687.1); c.-250G>A (NM_001406681.1); c.-1236G>A (NM_001406689.1, NM_001406690.1, NM_001406691.1 and 2 more transcripts); c.-1542G>A (NM_001406693.1); and 3 more; short protein forms E17K, E77K, E66K.
Identifiers: ClinVar variation 2061642 (VCV002061642.5), dbSNP rs45517094, ClinGen allele CA394303482.